The following is an entry in ClinVar:

NM_000540.3(RYR1):c.11194A>G (p.Ser3732Gly)

Gene: RYR1 (ryanodine receptor 1; plus strand). Cytogenetic location: 19q13.2.
Variant type: single nucleotide variant.
Coding change: c.11194A>G on transcript NM_000540.3 (MANE Select); coding-DNA position 11194, A replaced by G.
Protein change: p.Ser3732Gly; replaces serine 3732 with glycine.
Molecular consequence: missense variant.
Genome position (GRCh38, 1-based): chr19:38,532,671, A>G. VCF-style: chr19-38532671-A-G. GRCh37 (hg19) VCF-style: chr19-39023311-A-G.
Other names: c.11179A>G, p.Ser3727Gly (NM_001042723.2); short protein forms S3727G, S3732G.
Identifiers: ClinVar variation 3385551 (VCV003385551.1).

ClinVar aggregate classification (germline): Uncertain significance (1 of 4 stars; one submission).

Conditions:
Malignant hyperthermia, susceptibility to, 1 (MHS1). Also called: Anesthesia related hyperthermia; Malignant hyperpyrexia; Fulminating hyperpyrexia; Pharmacogenic myopathy; Malignant hyperthermia suceptibility 1; RYR1-Related Malignant Hyperthermia Susceptibility. Identifiers: Orphanet 423, MedGen C2930980, MONDO:0007783, OMIM 145600.

Submission:

All of Us Research Program, National Institutes of Health
Classification: Uncertain significance for Malignant hyperthermia, susceptibility to, 1. Last evaluated: 2024-03-24. Review status: criteria provided, single submitter. Criteria: ACMG Guidelines, 2015. Collection method: clinical testing. Allele origin: germline. Inheritance: Autosomal dominant inheritance. Observed: 1 variant allele, 1 heterozygote.
Comment: This missense variant replaces serine with glycine at codon 3732 of the RYR1 protein. Computational prediction suggests that this variant may have deleterious impact on protein structure and function (internally defined REVEL score threshold >= 0.7, PMID: 27666373). To our knowledge, functional studies have not been reported for this variant. This variant has not been reported in individuals affected with RYR1-related disorders in the literature. This variant has not been identified in the general population by the Genome Aggregation Database (gnomAD). The available evidence is insufficient to determine the role of this variant in disease conclusively. Therefore, this variant is classified as a Variant of Uncertain Significance.

This study involves interpretation of variants in research participants for the purpose of population health screening. Participant phenotype was not available at the time of variant classification. Additional details can be found in publication PMID: 35346344, PMCID: PMC8962531